The following is an entry in ClinVar:

NM_032620.4(GTPBP3):c.836C>T (p.Pro279Leu)

Gene: GTPBP3 (GTP binding protein 3, mitochondrial; plus strand). Cytogenetic location: 19p13.11.
Variant type: single nucleotide variant.
Coding change: c.836C>T on transcript NM_032620.4 (MANE Select); coding-DNA position 836, C replaced by T.
Protein change: p.Pro279Leu; replaces proline 279 with leucine.
Molecular consequence: missense variant.
Genome position (GRCh38, 1-based): chr19:17,339,461, C>T. VCF-style: chr19-17339461-C-T. GRCh37 (hg19) VCF-style: chr19-17450270-C-T.
Other names: c.836C>T, p.Pro279Leu (NM_001128855.3); c.902C>T, p.Pro301Leu (NM_001195422.1); c.932C>T, p.Pro311Leu (NM_133644.4); short protein forms P279L, P301L, P311L.
Identifiers: ClinVar variation 1196162 (VCV001196162.8), dbSNP rs775823045, ClinGen allele CA9293553.

ClinVar aggregate classification (germline): Uncertain significance. Review status: criteria provided, multiple submitters, no conflicts (2 of 4 stars). 4 submissions from 4 submitters: Uncertain significance (4). Last evaluated 2024-12-30.

Conditions:
Inborn genetic diseases. Identifiers: MedGen C0950123, MeSH D030342.

Allele frequency attached by ClinVar (database versions not stated): gnomAD 0.00008 and 0.00010.

Submissions (4):

GeneDx
Classification: Uncertain significance. Last evaluated: 2024-12-30. Review status: criteria provided, single submitter. Criteria: GeneDx Variant Classification Process June 2021. Collection method: clinical testing. Allele origin: germline. Affected: yes.
Comment: Not observed at significant frequency in large population cohorts (gnomAD); In silico analysis supports that this missense variant has a deleterious effect on protein structure/function; This variant is associated with the following publications: (PMID: 34276756, 38327089, 36980825, 35769956, 30426380)

Blueprint Genetics
Classification: Uncertain significance. Last evaluated: 2024-06-19. Review status: criteria provided, single submitter. Criteria: ACMG Guidelines, 2015. Collection method: clinical testing. Allele origin: germline.

Labcorp Genetics (formerly Invitae), Labcorp
Classification: Uncertain significance. Last evaluated: 2022-09-12. Review status: criteria provided, single submitter. Criteria: Invitae Variant Classification Sherloc (09022015). Collection method: clinical testing. Allele origin: germline.
Comment: This sequence change replaces proline, which is neutral and non-polar, with leucine, which is neutral and non-polar, at codon 311 of the GTPBP3 protein (p.Pro311Leu). This variant is present in population databases (rs775823045, gnomAD 0.02%). This missense change has been observed in individual(s) with autosomal recessive combined oxidative phosphorylation deficiency (PMID: 30426380). ClinVar contains an entry for this variant (Variation ID: 1196162). Advanced modeling of protein sequence and biophysical properties (such as structural, functional, and spatial information, amino acid conservation, physicochemical variation, residue mobility, and thermodynamic stability) performed at Invitae indicates that this missense variant is expected to disrupt GTPBP3 protein function. In summary, the available evidence is currently insufficient to determine the role of this variant in disease. Therefore, it has been classified as a Variant of Uncertain Significance.

Ambry Genetics
Classification: Uncertain significance for Inborn genetic diseases. Last evaluated: 2022-03-28. Review status: criteria provided, single submitter. Criteria: Ambry Variant Classification Scheme 2023. Collection method: clinical testing. Allele origin: germline.

Literature cited by the submitters: PubMed 30426380 (cited by Labcorp Genetics (formerly Invitae), Labcorp and Ambry Genetics).